The following is an entry in ClinVar:

NM_001128840.3(CACNA1D):c.3196G>T (p.Asp1066Tyr)

Gene: CACNA1D (calcium voltage-gated channel subunit alpha1 D; plus strand). Cytogenetic location: 3p21.1.
Variant type: single nucleotide variant.
Coding change: c.3196G>T on transcript NM_001128840.3 (MANE Select); coding-DNA position 3196, G replaced by T.
Protein change: p.Asp1066Tyr; replaces aspartic acid 1066 with tyrosine.
Molecular consequence: missense variant.
Genome position (GRCh38, 1-based): chr3:53,747,330, G>T. VCF-style: chr3-53747330-G-T. GRCh37 (hg19) VCF-style: chr3-53781357-G-T.
Other names: c.3256G>T, p.Asp1086Tyr (NM_000720.4); c.3196G>T, p.Asp1066Tyr (NM_001128839.3); short protein forms D1066Y, D1086Y.
Identifiers: ClinVar variation 3680525 (VCV003680525.1).

ClinVar aggregate classification (germline): Uncertain significance (1 of 4 stars; one submission).

gnomAD v4.1: 1 of 1,613,918 alleles (0.000062%); highest among the groups gnomAD compares: South Asian, 0.0011%; no homozygotes.

Submission:

Labcorp Genetics (formerly Invitae), Labcorp
Classification: Uncertain significance. Last evaluated: 2024-10-09. Review status: criteria provided, single submitter. Criteria: Invitae Variant Classification Sherloc (09022015). Collection method: clinical testing. Allele origin: germline.
Comment: This sequence change replaces aspartic acid, which is acidic and polar, with tyrosine, which is neutral and polar, at codon 1086 of the CACNA1D protein (p.Asp1086Tyr). This variant is present in population databases (rs765855545, gnomAD 0.003%). This variant has not been reported in the literature in individuals affected with CACNA1D-related conditions. Invitae Evidence Modeling of protein sequence and biophysical properties (such as structural, functional, and spatial information, amino acid conservation, physicochemical variation, residue mobility, and thermodynamic stability) indicates that this missense variant is not expected to disrupt CACNA1D protein function with a negative predictive value of 80%. In summary, the available evidence is currently insufficient to determine the role of this variant in disease. Therefore, it has been classified as a Variant of Uncertain Significance.